The following is an entry in ClinVar:

ClinVar aggregate classification (germline): Uncertain significance (1 of 4 stars; one submission).

Conditions:
Intellectual developmental disorder, autosomal dominant 6, with or without seizures. Also called: Intellectual disability, autosomal dominant 6; GRIN2B-related developmental delay, intellectual disability and autism spectrum disorder. Identifiers: Orphanet 589547, MedGen C3151411, MONDO:0013509, OMIM 613970.
Developmental and epileptic encephalopathy, 27 (DEE27). Also called: Epileptic encephalopathy, early infantile, 27; GRIN2B-Related Neurodevelopmental Disorder. Identifiers: Orphanet 3451, MedGen C4015316, MONDO:0014505, OMIM 616139.

Submission:

Labcorp Genetics (formerly Invitae), Labcorp
Classification: Uncertain significance for Developmental and epileptic encephalopathy, 27; Intellectual developmental disorder, autosomal dominant 6, with or without seizures. Last evaluated: 2022-03-23. Review status: criteria provided, single submitter. Criteria: Invitae Variant Classification Sherloc (09022015). Collection method: clinical testing. Allele origin: germline.
Comment: This sequence change replaces proline, which is neutral and non-polar, with threonine, which is neutral and polar, at codon 78 of the GRIN2B protein (p.Pro78Thr). This variant is not present in population databases (gnomAD no frequency). This variant has not been reported in the literature in individuals affected with GRIN2B-related conditions. ClinVar contains an entry for this variant (Variation ID: 947756). Advanced modeling of protein sequence and biophysical properties (such as structural, functional, and spatial information, amino acid conservation, physicochemical variation, residue mobility, and thermodynamic stability) performed at Invitae indicates that this missense variant is expected to disrupt GRIN2B protein function. In summary, the available evidence is currently insufficient to determine the role of this variant in disease. Therefore, it has been classified as a Variant of Uncertain Significance.

NM_000834.5(GRIN2B):c.232C>A (p.Pro78Thr)

Gene: GRIN2B (glutamate ionotropic receptor NMDA type subunit 2B; minus strand). Cytogenetic location: 12p13.1.
Variant type: single nucleotide variant.
Coding change: c.232C>A on transcript NM_000834.5 (MANE Select); coding-DNA position 232, C replaced by A.
Protein change: p.Pro78Thr; replaces proline 78 with threonine.
Molecular consequence: missense variant.
Genome position (GRCh38, 1-based): chr12:13,865,977, G>T on the plus strand (C>A on the coding strand, the complement: GRIN2B is on the minus strand). VCF-style: chr12-13865977-G-T. GRCh37 (hg19) VCF-style: chr12-14018911-G-T.
Other names: short protein forms P78T.
Identifiers: ClinVar variation 947756 (VCV000947756.10), dbSNP rs1865820574, ClinGen allele CA384054341.